The following is an entry in ClinVar:

ClinVar aggregate classification (germline): Likely benign. Review status: criteria provided, multiple submitters, no conflicts (2 of 4 stars). 7 submissions from 7 submitters: Likely benign (7). Last evaluated 2026-04-03.

Conditions:
Cardiovascular phenotype. Identifiers: MedGen CN230736.
ALPK3-related disorder. Also called: ALPK3-related condition.
Cardiomyopathy, familial hypertrophic 27. Identifiers: MedGen C4748014, MONDO:0054838, OMIM 618052.

Allele frequency attached by ClinVar (database versions not stated): ExAC 0.00010; gnomAD 0.00031 and 0.00032; TOPMed 0.00040; 1000 Genomes Project 0.00060; 1000 Genomes Project 30x 0.00062; gnomAD exomes 0.00008.
gnomAD v4.1: 75 of 1,614,102 alleles (0.0046%); highest among the groups gnomAD compares: African/African-American, 0.087%; no homozygotes.

Submissions (7):

Women's Health and Genetics/Laboratory Corporation of America, LabCorp
Classification: Likely benign. Last evaluated: 2026-04-03. Review status: criteria provided, single submitter. Criteria: LabCorp Variant Classification Summary - May 2015. Collection method: clinical testing. Allele origin: germline.

Molecular Diagnostic Laboratory for Inherited Cardiovascular Disease, Montreal Heart Institute
Classification: Likely benign. Last evaluated: 2026-03-27. Review status: criteria provided, single submitter. Criteria: ACMG Guidelines, 2015. Collection method: clinical testing. Allele origin: germline. Affected: no.
Comment: BP6;BP7

Labcorp Genetics (formerly Invitae), Labcorp
Classification: Likely benign. Last evaluated: 2026-01-19. Review status: criteria provided, single submitter. Criteria: Invitae Variant Classification Sherloc (09022015). Collection method: clinical testing. Allele origin: germline.

PreventionGenetics, part of Exact Sciences
Classification: Likely benign for ALPK3-related condition. Last evaluated: 2025-05-27. Review status: criteria provided, single submitter. Criteria: ACMG Guidelines, 2015. Collection method: clinical testing. Allele origin: germline.
Comment: This variant is classified as likely benign based on ACMG/AMP sequence variant interpretation guidelines (Richards et al. 2015 PMID: 25741868, with internal and published modifications).

ARUP Laboratories, Molecular Genetics and Genomics, ARUP Laboratories
Classification: Likely benign for Cardiomyopathy, familial hypertrophic 27. Last evaluated: 2022-11-02. Review status: criteria provided, single submitter. Criteria: ARUP Molecular Germline Variant Investigation Process 2021. Collection method: clinical testing. Allele origin: germline.

GeneDx
Classification: Likely benign. Last evaluated: 2020-11-16. Review status: criteria provided, single submitter. Criteria: GeneDx Variant Classification Process June 2021. Collection method: clinical testing. Allele origin: germline. Affected: yes.

Ambry Genetics
Classification: Likely benign for Cardiovascular phenotype. Last evaluated: 2020-03-04. Review status: criteria provided, single submitter. Criteria: Ambry Variant Classification Scheme 2023. Collection method: clinical testing. Allele origin: germline.

NM_020778.5(ALPK3):c.2205A>G (p.Pro735=)

Gene: ALPK3 (alpha kinase 3; plus strand). Cytogenetic location: 15q25.3.
Variant type: single nucleotide variant.
Coding change: c.2205A>G on transcript NM_020778.5 (MANE Select); coding-DNA position 2205, A replaced by G.
Protein change: p.Pro735=; no amino-acid change (proline 735 retained).
Molecular consequence: synonymous variant.
Genome position (GRCh38, 1-based): chr15:84,856,943, A>G. VCF-style: chr15-84856943-A-G. GRCh37 (hg19) VCF-style: chr15-85400174-A-G.
Identifiers: ClinVar variation 1206639 (VCV001206639.18), dbSNP rs116418403, ClinGen allele CA7709361.